The following is an entry in ClinVar:

NM_001556.3(IKBKB):c.-106G>A

Genes: IKBKB (inhibitor of nuclear factor kappa B kinase subunit beta; plus strand), LOC130000299 (ATAC-STARR-seq lymphoblastoid silent region 19154; plus strand). Cytogenetic location: 8p11.21.
Variant type: single nucleotide variant.
Coding change: c.-106G>A on transcript NM_001556.3 (MANE Select); 106 bases upstream of the start codon, G replaced by A.
Molecular consequence: 5 prime UTR variant. On other transcripts: non-coding transcript variant (3).
Genome position (GRCh38, 1-based): chr8:42,271,382, G>A. VCF-style: chr8-42271382-G-A. GRCh37 (hg19) VCF-style: chr8-42128900-G-A.
Other names: c.-175G>A (NM_001190720.3); c.-188G>A (NM_001242778.2).
Identifiers: ClinVar variation 2658582 (VCV002658582.24), dbSNP rs1275457168, ClinGen allele CA2687094407.

ClinVar aggregate classification (germline): Likely benign (1 of 4 stars; one submission).

gnomAD v4.1: 1 of 1,510,424 alleles (0.000066%); highest among the groups gnomAD compares: Non-Finnish European, 0.000089%; no homozygotes.

Submission:

CeGaT Center for Human Genetics Tuebingen
Classification: Likely benign. Last evaluated: 2023-03-01. Review status: criteria provided, single submitter. Criteria: CeGaT Center For Human Genetics Tuebingen Variant Classification Criteria Version 2. Collection method: clinical testing. Allele origin: germline. Affected: yes. Observed: 1 variant allele.
Comment: IKBKB: PM2:Supporting, BP4, BP7